The following is an entry in ClinVar:

ClinVar aggregate classification (germline): Likely pathogenic (1 of 4 stars; one submission).

Allele frequency attached by ClinVar (database versions not stated): gnomAD exomes below 0.00001.
gnomAD v4.1: 1 of 1,610,712 alleles (0.000062%); highest among the groups gnomAD compares: Non-Finnish European, 0.000085%; no homozygotes.

Submission:

Labcorp Genetics (formerly Invitae), Labcorp
Classification: Likely pathogenic. Last evaluated: 2023-09-30. Review status: criteria provided, single submitter. Criteria: Invitae Variant Classification Sherloc (09022015). Collection method: clinical testing. Allele origin: germline.
Comment: In summary, the currently available evidence indicates that the variant is pathogenic, but additional data are needed to prove that conclusively. Therefore, this variant has been classified as Likely Pathogenic. This sequence change affects an acceptor splice site in intron 70 of the VPS13A gene. It is expected to disrupt RNA splicing. Variants that disrupt the donor or acceptor splice site typically lead to a loss of protein function (PMID: 16199547), and loss-of-function variants in VPS13A are known to be pathogenic (PMID: 12404112, 21598378). This variant is not present in population databases (gnomAD no frequency). This variant has not been reported in the literature in individuals affected with VPS13A-related conditions. ClinVar contains an entry for this variant (Variation ID: 1943564). Algorithms developed to predict the effect of sequence changes on RNA splicing suggest that this variant may disrupt the consensus splice site.

Literature cited by the submitters: PubMed 16199547; PubMed 12404112; PubMed 21598378.

NM_033305.3(VPS13A):c.9400-1G>T

Gene: VPS13A (vacuolar protein sorting 13 homolog A; plus strand). Cytogenetic location: 9q21.2.
Variant type: single nucleotide variant.
Coding change: c.9400-1G>T on transcript NM_033305.3 (MANE Select); the canonical splice acceptor site of the intron before coding-DNA position 9400, G replaced by T.
Molecular consequence: splice acceptor variant.
Genome position (GRCh38, 1-based): chr9:77,407,532, G>T. VCF-style: chr9-77407532-G-T. GRCh37 (hg19) VCF-style: chr9-80022448-G-T.
Other names: c.9283-1G>T (NM_001018037.2).
Identifiers: ClinVar variation 1943564 (VCV001943564.5), dbSNP rs2538323935, ClinGen allele CA373854977.